The following is an entry in ClinVar:

ClinVar aggregate classification (germline): Pathogenic (1 of 4 stars; one submission).

Submission:

Labcorp Genetics (formerly Invitae), Labcorp
Classification: Pathogenic. Last evaluated: 2024-11-07. Review status: criteria provided, single submitter. Criteria: Invitae Variant Classification Sherloc (09022015). Collection method: clinical testing. Allele origin: germline.
Comment: This sequence change creates a premature translational stop signal (p.Gln1331*) in the PCLO gene. It is expected to result in an absent or disrupted protein product. Loss-of-function variants in PCLO are known to be pathogenic (PMID: 25832664, 30287594). This variant is not present in population databases (gnomAD no frequency). This variant has not been reported in the literature in individuals affected with PCLO-related conditions. For these reasons, this variant has been classified as Pathogenic.

Literature cited by the submitters: PubMed 25832664; PubMed 30287594.

NM_033026.6(PCLO):c.3991C>T (p.Gln1331Ter)

Gene: PCLO (piccolo presynaptic cytomatrix protein; minus strand). Cytogenetic location: 7q21.11.
Variant type: single nucleotide variant.
Coding change: c.3991C>T on transcript NM_033026.6 (MANE Select); coding-DNA position 3991, C replaced by T.
Protein change: p.Gln1331Ter; replaces glutamine 1331 with a stop codon.
Molecular consequence: nonsense.
Genome position (GRCh38, 1-based): chr7:82,965,797, G>A on the plus strand (C>T on the coding strand, the complement: PCLO is on the minus strand). VCF-style: chr7-82965797-G-A. GRCh37 (hg19) VCF-style: chr7-82595113-G-A.
Other names: c.3991C>T, p.Gln1331Ter (NM_014510.3); short protein forms Q1331*.
Identifiers: ClinVar variation 3724832 (VCV003724832.2), dbSNP rs267601598.